The following is an entry in ClinVar:

ClinVar aggregate classification (germline): Uncertain significance. Review status: criteria provided, multiple submitters, no conflicts (2 of 4 stars). 3 submissions from 3 submitters: Uncertain significance (3). Last evaluated 2025-08-30.

Conditions:
Inborn genetic diseases. Identifiers: MedGen C0950123, MeSH D030342.
PCSK1-related disorder. Also called: PCSK1-related condition.

gnomAD v4.1: 135 of 1,612,288 alleles (0.0084%); highest among the groups gnomAD compares: Non-Finnish European, 0.011%; no homozygotes.

Submissions (3):

Ambry Genetics
Classification: Uncertain significance for Inborn genetic diseases. Last evaluated: 2025-08-30. Review status: criteria provided, single submitter. Criteria: Ambry Variant Classification Scheme 2023. Collection method: clinical testing. Allele origin: germline.

PreventionGenetics, part of Exact Sciences
Classification: Uncertain significance for PCSK1-related condition. Last evaluated: 2025-01-03. Review status: criteria provided, single submitter. Criteria: ACMG Guidelines, 2015. Collection method: clinical testing. Allele origin: germline.
Comment: The PCSK1 c.1096A>G variant is predicted to result in the amino acid substitution p.Thr366Ala. To our knowledge, this variant has not been reported in the literature. This variant is reported in 0.0047% of alleles in individuals of European (Non-Finnish) descent in gnomAD. At this time, the clinical significance of this variant is uncertain due to the absence of conclusive functional and genetic evidence.

Blueprint Genetics
Classification: Uncertain significance. Last evaluated: 2024-05-20. Review status: criteria provided, single submitter. Criteria: ACMG Guidelines, 2015. Collection method: clinical testing. Allele origin: germline.

NM_000439.5(PCSK1):c.1096A>G (p.Thr366Ala)

Genes: CAST (calpastatin; plus strand), PCSK1 (proprotein convertase subtilisin/kexin type 1; minus strand), LOC101929710 (uncharacterized LOC101929710; plus strand). Cytogenetic location: 5q15.
Variant type: single nucleotide variant.
Coding change: c.1096A>G on transcript NM_000439.5 (MANE Select); coding-DNA position 1096, A replaced by G.
Protein change: p.Thr366Ala; replaces threonine 366 with alanine.
Molecular consequence: missense variant. On other transcripts: intron variant (11).
Genome position (GRCh38, 1-based): chr5:96,408,323, T>C on the plus strand (A>G on the coding strand, the complement: PCSK1 is on the minus strand). VCF-style: chr5-96408323-T-C. GRCh37 (hg19) VCF-style: chr5-95744027-T-C.
Other names: c.-175+28671T>C (NM_001423260.1, NM_001423254.1, NM_001423259.1 and 6 more transcripts); c.955A>G, p.Thr319Ala (NM_001177875.2); c.-103+28671T>C (NM_001423253.1); c.-40+28671T>C (NM_001423258.1); short protein forms T319A, T366A.
Identifiers: ClinVar variation 3354732 (VCV003354732.4).